The following is an entry in ClinVar:

ClinVar aggregate classification (germline): Uncertain significance (1 of 4 stars; one submission).

Conditions:
Cardiovascular phenotype. Identifiers: MedGen CN230736.

Submission:

Ambry Genetics
Classification: Uncertain significance for Cardiovascular phenotype. Last evaluated: 2025-02-06. Review status: criteria provided, single submitter. Criteria: Ambry Variant Classification Scheme 2023. Collection method: clinical testing. Allele origin: germline.
Comment: The c.14646_14648delAGA variant (also known as p.E4882del) is located in coding exon 102 of the RYR2 gene. This variant results from an in-frame AGA deletion at nucleotide positions 14646 to 14648. This results in the in-frame deletion of a glutamic acid at codon 4882. This amino acid position is highly conserved in available vertebrate species. In addition, this alteration is predicted to be deleterious by in silico analysis (Choi Y et al. PLoS ONE. 2012; 7(10):e46688). Since supporting evidence is limited at this time, the clinical significance of this alteration remains unclear.

NM_001035.3(RYR2):c.14643AGA[1] (p.Glu4882del)

Gene: RYR2 (ryanodine receptor 2; plus strand). Cytogenetic location: 1q43.
Variant type: Microsatellite.
Coding change: c.14643AGA[1] on transcript NM_001035.3 (MANE Select); one copy of the 3-base unit AGA starting at c.14643; the reference has two copies in a row; one copy, 3 bases deleted.
Protein change: p.Glu4882del; deletes glutamic acid 4882.
Molecular consequence: inframe deletion.
Genome position (GRCh38, 1-based): chr1:237,828,436-237,828,438, AGA deleted; deleting any 3 consecutive bases within chr1:237,828,432-237,828,438 gives the same sequence; the position shown is the placement nearest the transcript's 3' end. VCF-style (leftmost placement, unchanged base first): chr1-237828431-AAAG-A. GRCh37 (hg19) VCF-style: chr1-237991731-AAAG-A.
Other names: short protein forms E4882del.
Identifiers: ClinVar variation 1773208 (VCV001773208.3), dbSNP rs2528438676, ClinGen allele CA2580611573.
Genomic context (GRCh38, chr1:237,828,431, plus strand): 5'-TTAACACCAGGTCTAATTATTGATGCTTTTGGAGAACTAAGAGACCAACAGGAACAAGTC[AAAG>A]AAGACATGGAGGTAAGCTTCTCCATTCATGACTCAGCTTCTTTGTTGTCCTGGGCCCTCG-3'